The following is an entry in ClinVar:

ClinVar aggregate classification (germline): Uncertain significance. Review status: criteria provided, multiple submitters, no conflicts (2 of 4 stars). 2 submissions from 2 submitters: Uncertain significance (2). Last evaluated 2023-01-08.

Allele frequency attached by ClinVar (database versions not stated): gnomAD exomes below 0.00001; ExAC 0.00002.
gnomAD v4.1: 3 of 1,614,178 alleles (0.00019%); highest among the groups gnomAD compares: Admixed American, 0.0017%; no homozygotes.

Submissions (2):

Ambry Genetics
Classification: Uncertain significance. Last evaluated: 2023-01-08. Review status: criteria provided, single submitter. Criteria: Ambry Variant Classification Scheme 2023. Collection method: clinical testing. Allele origin: germline.
Comment: The p.L682P variant (also known as c.2045T>C), located in coding exon 13 of the RINT1 gene, results from a T to C substitution at nucleotide position 2045. The leucine at codon 682 is replaced by proline, an amino acid with similar properties. This amino acid position is conserved. In addition, this alteration is predicted to be deleterious by in silico analysis. Since supporting evidence is limited at this time, the clinical significance of this alteration remains unclear.

Labcorp Genetics (formerly Invitae), Labcorp
Classification: Uncertain significance. Last evaluated: 2022-12-01. Review status: criteria provided, single submitter. Criteria: Invitae Variant Classification Sherloc (09022015). Collection method: clinical testing. Allele origin: germline.
Comment: In summary, the available evidence is currently insufficient to determine the role of this variant in disease. Therefore, it has been classified as a Variant of Uncertain Significance. Algorithms developed to predict the effect of missense changes on protein structure and function are either unavailable or do not agree on the potential impact of this missense change (SIFT: "Deleterious"; PolyPhen-2: "Probably Damaging"; Align-GVGD: "Class C0"). This variant has not been reported in the literature in individuals affected with RINT1-related conditions. This variant is present in population databases (rs747097541, gnomAD 0.003%). This sequence change replaces leucine, which is neutral and non-polar, with proline, which is neutral and non-polar, at codon 682 of the RINT1 protein (p.Leu682Pro).

NM_021930.6(RINT1):c.2045T>C (p.Leu682Pro)

Genes: EFCAB10 (EF-hand calcium binding domain 10; minus strand), RINT1 (RAD50 interactor 1; plus strand). Cytogenetic location: 7q22.3.
Variant type: single nucleotide variant.
Coding change: c.2045T>C on transcript NM_021930.6 (MANE Select); coding-DNA position 2045, T replaced by C.
Protein change: p.Leu682Pro; replaces leucine 682 with proline.
Molecular consequence: missense variant. On other transcripts: 3 prime UTR variant (2), synonymous variant (1), non-coding transcript variant (1).
Genome position (GRCh38, 1-based): chr7:105,565,435, T>C. VCF-style: chr7-105565435-T-C. GRCh37 (hg19) VCF-style: chr7-105205882-T-C.
Other names: c.*12A>G (NM_001355526.2); c.*114A>G (NM_001355530.2); c.372A>G, p.Pro124= (NM_001355531.2); c.1811T>C, p.Leu604Pro (NM_001346599.2); c.1022T>C, p.Leu341Pro (NM_001346600.2, NM_001346603.2); c.1121T>C, p.Leu374Pro (NM_001346601.2); short protein forms L374P, L682P, L604P, L341P.
Identifiers: ClinVar variation 2496970 (VCV002496970.5), dbSNP rs747097541, ClinGen allele CA4426844.